The following is an entry in ClinVar:

NM_004168.4(SDHA):c.345G>C (p.Glu115Asp)

Gene: SDHA (succinate dehydrogenase complex flavoprotein subunit A; plus strand). Cytogenetic location: 5p15.33.
Variant type: single nucleotide variant.
Coding change: c.345G>C on transcript NM_004168.4 (MANE Select); coding-DNA position 345, G replaced by C.
Protein change: p.Glu115Asp; replaces glutamic acid 115 with aspartic acid.
Molecular consequence: missense variant. On other transcripts: intron variant (1).
Genome position (GRCh38, 1-based): chr5:225,451, G>C. VCF-style: chr5-225451-G-C. GRCh37 (hg19) VCF-style: chr5-225566-G-C.
Other names: c.345G>C, p.Glu115Asp (NM_001330758.2); c.313-432G>C (NM_001294332.2); short protein forms E115D.
Identifiers: ClinVar variation 955437 (VCV000955437.9), dbSNP rs368286780, ClinGen allele CA359009246.

ClinVar aggregate classification (germline): Uncertain significance. Review status: criteria provided, multiple submitters, no conflicts (2 of 4 stars). 2 submissions from 2 submitters: Uncertain significance (2). Last evaluated 2026-01-11.

Conditions:
Mitochondrial complex II deficiency, nuclear type 1. Also called: SUCCINATE CoQ REDUCTASE DEFICIENCY. Identifiers: Orphanet 3208, MedGen C5700310, MONDO:0100294, OMIM 252011.
Pheochromocytoma/paraganglioma syndrome 5. Also called: Paragangliomas 5; SDHA-Related Hereditary Paraganglioma-Pheochromocytoma Syndrome. Identifiers: Orphanet 29072, MedGen C3279992, MONDO:0013602, OMIM 614165.
Hereditary cancer-predisposing syndrome. Also called: Hereditary Cancer Syndrome; Neoplastic Syndromes, Hereditary; Tumor predisposition; Hereditary neoplastic syndrome. Identifiers: Orphanet 140162, MedGen C0027672, MeSH D009386, MONDO:0015356.

Allele frequency attached by ClinVar (database versions not stated): gnomAD exomes 0.00001.
gnomAD v4.1: 8 of 1,613,142 alleles (0.0005%); highest among the groups gnomAD compares: Non-Finnish European, 0.00068%; no homozygotes.

Submissions (2):

Labcorp Genetics (formerly Invitae), Labcorp
Classification: Uncertain significance for Pheochromocytoma/paraganglioma syndrome 5; Mitochondrial complex II deficiency, nuclear type 1. Last evaluated: 2026-01-11. Review status: criteria provided, single submitter. Criteria: Invitae Variant Classification Sherloc (09022015). Collection method: clinical testing. Allele origin: germline.
Comment: This sequence change replaces glutamic acid, which is acidic and polar, with aspartic acid, which is acidic and polar, at codon 115 of the SDHA protein (p.Glu115Asp). This variant is not present in population databases (gnomAD no frequency). This variant has not been reported in the literature in individuals affected with SDHA-related conditions. ClinVar contains an entry for this variant (Variation ID: 955437). Invitae Evidence Modeling of protein sequence and biophysical properties (such as structural, functional, and spatial information, amino acid conservation, physicochemical variation, residue mobility, and thermodynamic stability) indicates that this missense variant is not expected to disrupt SDHA protein function with a negative predictive value of 95%. In summary, the available evidence is currently insufficient to determine the role of this variant in disease. Therefore, it has been classified as a Variant of Uncertain Significance.

Ambry Genetics
Classification: Uncertain significance for Hereditary cancer-predisposing syndrome. Last evaluated: 2022-05-26. Review status: criteria provided, single submitter. Criteria: Ambry Variant Classification Scheme 2023. Collection method: clinical testing. Allele origin: germline.
Comment: The p.E115D variant (also known as c.345G>C), located in coding exon 4 of the SDHA gene, results from a G to C substitution at nucleotide position 345. The glutamic acid at codon 115 is replaced by aspartic acid, an amino acid with highly similar properties. This amino acid position is conserved. In addition, this alteration is predicted to be tolerated by in silico analysis. Since supporting evidence is limited at this time, the clinical significance of this alteration remains unclear.